The following is an entry in ClinVar:

NM_032578.4(MYPN):c.1910dup (p.Thr639fs)

Gene: MYPN (myopalladin; plus strand). Cytogenetic location: 10q21.3.
Variant type: Duplication.
Coding change: c.1910dup on transcript NM_032578.4 (MANE Select); coding-DNA position 1910, one base duplicated (C; older notation c.1910dupC).
Protein change: p.Thr639fs; shifts the reading frame from threonine 639.
Molecular consequence: frameshift variant. On other transcripts: non-coding transcript variant (2).
Genome position (GRCh38, 1-based): chr10:68,166,603, C duplicated. VCF-style (leftmost placement, unchanged base first): chr10-68166602-A-AC. GRCh37 (hg19) VCF-style: chr10-69926359-A-AC.
Other names: c.1910dup, p.Thr639fs (NM_001256267.2); c.1028dup, p.Thr345fs (NM_001256268.2); short protein forms T345fs, T639fs.
Identifiers: ClinVar variation 1374949 (VCV001374949.6), dbSNP rs2134169413, ClinGen allele CA2573145232.

ClinVar aggregate classification (germline): Pathogenic (1 of 4 stars; one submission).

Conditions:
Dilated cardiomyopathy 1KK (CMD1KK). Identifiers: Orphanet 154, Orphanet 75249, MedGen C3714995, MONDO:0014100, OMIM 615248.

Submission:

Labcorp Genetics (formerly Invitae), Labcorp
Classification: Pathogenic for Dilated cardiomyopathy 1KK. Last evaluated: 2021-01-17. Review status: criteria provided, single submitter. Criteria: Invitae Variant Classification Sherloc (09022015). Collection method: clinical testing. Allele origin: germline.
Comment: This variant has not been reported in the literature in individuals with MYPN-related conditions. This variant is not present in population databases (ExAC no frequency). This sequence change creates a premature translational stop signal (p.Thr639Asnfs*21) in the MYPN gene. It is expected to result in an absent or disrupted protein product. Loss-of-function variants in MYPN are known to be pathogenic (PMID: 28017374). For these reasons, this variant has been classified as Pathogenic.

Literature cited by the submitters: PubMed 28017374.